The following is an entry in ClinVar:

ClinVar aggregate classification (germline): Uncertain significance (1 of 4 stars; one submission).

Conditions:
Hereditary cancer-predisposing syndrome. Also called: Neoplastic Syndromes, Hereditary; Tumor predisposition; Hereditary Cancer Syndrome; Hereditary neoplastic syndrome. Identifiers: Orphanet 140162, MedGen C0027672, MeSH D009386, MONDO:0015356.

gnomAD v4.1: 1 of 1,613,762 alleles (0.000062%); highest among the groups gnomAD compares: Non-Finnish European, 0.000085%; no homozygotes.

Submission:

Ambry Genetics
Classification: Uncertain significance for Hereditary cancer-predisposing syndrome. Last evaluated: 2026-04-06. Review status: criteria provided, single submitter. Criteria: Ambry Variant Classification Scheme 2023. Collection method: clinical testing. Allele origin: germline.
Comment: The p.Q95K variant (also known as c.283C>A), located in coding exon 2 of the PTCH1 gene, results from a C to A substitution at nucleotide position 283. The glutamine at codon 95 is replaced by lysine, an amino acid with similar properties. This amino acid position is conserved. In addition, this alteration is predicted to be deleterious by in silico analysis. Based on the available evidence, the clinical significance of this variant remains unclear.

NM_000264.5(PTCH1):c.283C>A (p.Gln95Lys)

Gene: PTCH1 (patched 1; minus strand). Cytogenetic location: 9q22.32.
Variant type: single nucleotide variant.
Coding change: c.283C>A on transcript NM_000264.5 (MANE Select); coding-DNA position 283, C replaced by A.
Protein change: p.Gln95Lys; replaces glutamine 95 with lysine.
Molecular consequence: missense variant. On other transcripts: 5 prime UTR variant (4), non-coding transcript variant (1).
Genome position (GRCh38, 1-based): chr9:95,506,518, G>T on the plus strand (C>A on the coding strand, the complement: PTCH1 is on the minus strand). VCF-style: chr9-95506518-G-T. GRCh37 (hg19) VCF-style: chr9-98268800-G-T.
Other names: c.85C>A, p.Gln29Lys (NM_001083602.3, NM_001354919.2); c.280C>A, p.Gln94Lys (NM_001083603.3); c.-171C>A (NM_001083604.3, NM_001083605.3, NM_001083606.3 and 1 more transcripts); c.283C>A, p.Gln95Lys (NM_001354918.2); short protein forms Q29K, Q94K, Q95K.
Identifiers: ClinVar variation 4862659 (VCV004862659.1).